The following is an entry in ClinVar:

NM_015378.4(VPS13D):c.11845C>G (p.Leu3949Val)

Gene: VPS13D (vacuolar protein sorting 13 homolog D; plus strand). Cytogenetic location: 1p36.22.
Variant type: single nucleotide variant.
Coding change: c.11845C>G on transcript NM_015378.4 (MANE Select); coding-DNA position 11845, C replaced by G.
Protein change: p.Leu3949Val; replaces leucine 3949 with valine.
Molecular consequence: missense variant.
Genome position (GRCh38, 1-based): chr1:12,401,668, C>G. VCF-style: chr1-12401668-C-G. GRCh37 (hg19) VCF-style: chr1-12461721-C-G.
Other names: c.11770C>G, p.Leu3924Val (NM_018156.4); short protein forms L3924V, L3949V.
Identifiers: ClinVar variation 1309989 (VCV001309989.2), dbSNP rs2101683938, ClinGen allele CA338485315.
Genomic context (GRCh38, chr1:12,401,668, plus strand): 5'-CATCTGATGATCACAGCTCAGAGATTCACAGTGCAAATTGAGGAGAAACTGCTCCTCAAG[C>G]TGCTAAGTTTCTTTGGCTACGATCAAGCAGAATCAGGTAATGTTGAATGTTCTATGTCTG-3'
Protein context (NP_056193.2, residues 3939-3959): VQIEEKLLLK[Leu3949Val]LSFFGYDQAE

ClinVar aggregate classification (germline): Uncertain significance (1 of 4 stars; one submission).

Submission:

GeneDx
Classification: Uncertain significance. Last evaluated: 2019-11-14. Review status: criteria provided, single submitter. Criteria: GeneDx Variant Classification Process June 2021. Collection method: clinical testing. Allele origin: germline. Affected: yes.
Comment: Not observed in large population cohorts (Lek et al., 2016); In silico analysis, which includes protein predictors and evolutionary conservation, supports a deleterious effect; Has not been previously published as pathogenic or benign to our knowledge